The following is an entry in ClinVar:

NM_000489.6(ATRX):c.1819G>A (p.Glu607Lys)

Gene: ATRX (ATRX chromatin remodeler; minus strand). Cytogenetic location: Xq21.1.
Variant type: single nucleotide variant.
Coding change: c.1819G>A on transcript NM_000489.6 (MANE Select); coding-DNA position 1819, G replaced by A.
Protein change: p.Glu607Lys; replaces glutamic acid 607 with lysine.
Molecular consequence: missense variant.
Genome position (GRCh38, 1-based): chrX:77,683,437, C>T on the plus strand (G>A on the coding strand, the complement: ATRX is on the minus strand). VCF-style: chrX-77683437-C-T. GRCh37 (hg19) VCF-style: chrX-76938929-C-T.
Other names: c.1705G>A, p.Glu569Lys (NM_138270.5); short protein forms E569K, E607K.
Identifiers: ClinVar variation 3899186 (VCV003899186.1).

ClinVar aggregate classification (germline): Uncertain significance (1 of 4 stars; one submission).

Submission:

GeneDx
Classification: Uncertain significance. Last evaluated: 2024-11-08. Review status: criteria provided, single submitter. Criteria: GeneDx Variant Classification Process June 2021. Collection method: clinical testing. Allele origin: germline. Affected: yes.
Comment: Not observed at significant frequency in large population cohorts (gnomAD); In silico analysis indicates that this missense variant does not alter protein structure/function; Has not been previously published as pathogenic or benign to our knowledge